The following is an entry in ClinVar:

ClinVar aggregate classification (germline): Conflicting classifications of pathogenicity. Review status: criteria provided, conflicting classifications (1 of 4 stars). 7 submissions from 7 submitters: Uncertain significance (4); Likely benign (2). 1 of the submissions does not count toward it. Last evaluated 2025-10-23.

Conditions:
TECTA-related disorder. Also called: TECTA-related condition.
Autosomal dominant nonsyndromic hearing loss 12. Also called: DEAFNESS, AUTOSOMAL DOMINANT 8. Identifiers: Orphanet 90635, MedGen C1832187, MONDO:0011102, OMIM 601543.

Allele frequency attached by ClinVar (database versions not stated): ExAC 0.00024; gnomAD 0.00058 and 0.00060; TOPMed 0.00058; 1000 Genomes Project 0.00060; ESP Exome Variant Server 0.00085; 1000 Genomes Project 30x 0.00094.
gnomAD v4.1: 201 of 1,614,170 alleles (0.012%); highest among the groups gnomAD compares: African/African-American, 0.21%; 1 homozygote.

Submissions (7):

Labcorp Genetics (formerly Invitae), Labcorp
Classification: Likely benign. Last evaluated: 2025-10-23. Review status: criteria provided, single submitter. Criteria: Invitae Variant Classification Sherloc (09022015). Collection method: clinical testing. Allele origin: germline.

PreventionGenetics, part of Exact Sciences
Classification: Likely benign for TECTA-related condition. Last evaluated: 2025-08-04. Review status: criteria provided, single submitter. Criteria: ACMG Guidelines, 2015. Collection method: clinical testing. Allele origin: germline.
Comment: This variant is classified as likely benign based on ACMG/AMP sequence variant interpretation guidelines (Richards et al. 2015 PMID: 25741868, with internal and published modifications).

Blueprint Genetics
Classification: Uncertain significance. Last evaluated: 2024-09-27. Review status: criteria provided, single submitter. Criteria: ACMG Guidelines, 2015. Collection method: clinical testing. Allele origin: germline.

GeneDx
Classification: Uncertain significance. Last evaluated: 2021-08-24. Review status: criteria provided, single submitter. Criteria: GeneDx Variant Classification Process June 2021. Collection method: clinical testing. Allele origin: germline. Affected: yes.
Comment: Reported heterozygous in association with hearing loss (Hildebrand et al., 2011) but no detailed clinical information available and is separately reported as having questionable pathogenicity (Behlouli et al., 2016); In silico analysis supports that this missense variant does not alter protein structure/function; This variant is associated with the following publications: (PMID: 21520338, 25262649, 30245029, 27368438)

Baylor Genetics
Classification: Uncertain significance for Autosomal dominant nonsyndromic hearing loss 12. Last evaluated: 2018-07-16. Review status: criteria provided, single submitter. Criteria: ACMG Guidelines, 2015. Collection method: clinical testing. Allele origin: unknown. Affected: yes.
Comment: This variant was determined to be of uncertain significance according to ACMG Guidelines, 2015 [PMID:25741868].

Eurofins Ntd Llc (ga)
Classification: Uncertain significance. Last evaluated: 2018-07-11. Review status: criteria provided, single submitter. Criteria: EGL ClinVar v180209 classification definitions. Collection method: clinical testing. Allele origin: germline. Observed: 2 variant alleles, 2 heterozygotes.

Department of Pathology and Laboratory Medicine, Sinai Health System
Classification: Uncertain significance. Review status: no assertion criteria provided. Collection method: clinical testing. Allele origin: unknown. Affected: yes. Study: The Canadian Open Genetics Repository (COGR). Not counted in ClinVar's aggregate classification.
Comment: The TECTA p.Thr815Met variant was identified in 1 of 890 proband chromosomes (frequency: 0.0011) from individuals or families with autosomal dominant non-syndromic hearing loss (Hildebrand_2011_PMID:21520338). The variant was identified in dbSNP (ID: rs111759871), LOVD 3.0 and ClinVar (classified as uncertain significance by EGL Genetic Diagnostics). The variant was identified in control databases in 71 of 282874 chromosomes (1 homozygous) at a frequency of 0.000251 (Genome Aggregation Database March 6, 2019, v2.1.1). The variant was observed in the following populations: African in 62 of 24966 chromosomes (freq: 0.002483), Other in 2 of 7228 chromosomes (freq: 0.000277), Latino in 6 of 35440 chromosomes (freq: 0.000169) and South Asian in 1 of 30616 chromosomes (freq: 0.000033), but was not observed in the Ashkenazi Jewish, East Asian, European (Finnish), or European (non-Finnish) populations. The p.Thr815 residue is conserved across mammals and other organisms, and four out of five computational analyses (PolyPhen-2, SIFT, AlignGVGD, BLOSUM, MutationTaster) suggest that the variant may impact the protein; however, this information is not predictive enough to assume pathogenicity. The variant occurs outside of the splicing consensus sequence and in silico or computational prediction software programs (SpliceSiteFinder, MaxEntScan, NNSPLICE, GeneSplicer) do not predict a difference in splicing. In summary, based on the above information the clinical significance of this variant cannot be determined with certainty at this time. This variant is classified as a variant of uncertain significance.

NM_005422.4(TECTA):c.2444C>T (p.Thr815Met)

Genes: TBCEL-TECTA (TBCEL-TECTA readthrough; plus strand), TECTA (tectorin alpha; plus strand), LOC126861365 (P300/CBP strongly-dependent group 1 enhancer GRCh37_chr11:121000154-121001353; plus strand). Cytogenetic location: 11q23.3.
Variant type: single nucleotide variant.
Coding change: c.2444C>T on transcript NM_005422.4 (MANE Select); coding-DNA position 2444, C replaced by T.
Protein change: p.Thr815Met; replaces threonine 815 with methionine.
Molecular consequence: missense variant.
Genome position (GRCh38, 1-based): chr11:121,129,714, C>T. VCF-style: chr11-121129714-C-T. GRCh37 (hg19) VCF-style: chr11-121000423-C-T.
Other names: c.3401C>T, p.Thr1134Met (NM_001378761.1); short protein forms T815M, T1134M.
Identifiers: ClinVar variation 288521 (VCV000288521.20), dbSNP rs111759871, ClinGen allele CA6326995.
Genomic context (GRCh38, chr11:121,129,714, plus strand): 5'-TGGAATTGCCTTTTTTCCATCCTTCGGGGAAGCTGGAAATTTATCGAAACAAAAACAGTA[C>T]GACAGTGGAGTCCAAGGGCGTGGTGACTGTCCAGTACTCAGACATAGGTCTATTGTACAT-3'
Protein context (NP_005413.2, residues 805-825): KLEIYRNKNS[Thr815Met]TVESKGVVTV